The following is an entry in ClinVar:

ClinVar aggregate classification (germline): Uncertain significance (1 of 4 stars; one submission).

Submission:

Labcorp Genetics (formerly Invitae), Labcorp
Classification: Uncertain significance. Last evaluated: 2025-07-31. Review status: criteria provided, single submitter. Criteria: Invitae Variant Classification Sherloc (09022015). Collection method: clinical testing. Allele origin: germline.
Comment: This sequence change replaces tyrosine, which is neutral and polar, with histidine, which is basic and polar, at codon 192 of the RIPK1 protein (p.Tyr192His). This variant is not present in population databases (gnomAD no frequency). This variant has not been reported in the literature in individuals affected with RIPK1-related conditions. An algorithm developed to predict the effect of missense changes on protein structure and function (PolyPhen-2) suggests that this variant is likely to be disruptive. In summary, the available evidence is currently insufficient to determine the role of this variant in disease. Therefore, it has been classified as a Variant of Uncertain Significance.

NM_001354930.2(RIPK1):c.574T>C (p.Tyr192His)

Gene: RIPK1 (receptor interacting serine/threonine kinase 1; plus strand). Cytogenetic location: 6p25.2.
Variant type: single nucleotide variant.
Coding change: c.574T>C on transcript NM_001354930.2 (MANE Select); coding-DNA position 574, T replaced by C.
Protein change: p.Tyr192His; replaces tyrosine 192 with histidine.
Molecular consequence: missense variant.
Genome position (GRCh38, 1-based): chr6:3,083,199, T>C. VCF-style: chr6-3083199-T-C. GRCh37 (hg19) VCF-style: chr6-3083433-T-C.
Other names: c.85T>C, p.Tyr29His (NM_001317061.3, NM_001354932.2, NM_001354933.2 and 1 more transcripts); c.436T>C, p.Tyr146His (NM_001354931.2); c.574T>C, p.Tyr192His (NM_003804.6); short protein forms Y192H, Y146H, Y29H.
Identifiers: ClinVar variation 4723988 (VCV004723988.1).